The following is an entry in ClinVar:

NM_000359.3(TGM1):c.2403T>A (p.Gly801=)

Gene: TGM1 (transglutaminase 1; minus strand). Cytogenetic location: 14q12.
Variant type: single nucleotide variant.
Coding change: c.2403T>A on transcript NM_000359.3 (MANE Select); coding-DNA position 2403, T replaced by A.
Protein change: p.Gly801=; no amino-acid change (glycine 801 retained).
Molecular consequence: synonymous variant.
Genome position (GRCh38, 1-based): chr14:24,249,364, A>T on the plus strand (T>A on the coding strand, the complement: TGM1 is on the minus strand). VCF-style: chr14-24249364-A-T. GRCh37 (hg19) VCF-style: chr14-24718570-A-T.
Identifiers: ClinVar variation 2644134 (VCV002644134.27), dbSNP rs1594562859, ClinGen allele CA485662431.

ClinVar aggregate classification (germline): Likely benign. Review status: criteria provided, multiple submitters, no conflicts (2 of 4 stars). 2 submissions from 2 submitters: Likely benign (2). Last evaluated 2023-10-04.

Submissions (2):

Labcorp Genetics (formerly Invitae), Labcorp
Classification: Likely benign. Last evaluated: 2023-10-04. Review status: criteria provided, single submitter. Criteria: Invitae Variant Classification Sherloc (09022015). Collection method: clinical testing. Allele origin: germline.

CeGaT Center for Human Genetics Tuebingen
Classification: Likely benign. Last evaluated: 2022-07-01. Review status: criteria provided, single submitter. Criteria: CeGaT Center For Human Genetics Tuebingen Variant Classification Criteria Version 2. Collection method: clinical testing. Allele origin: germline. Affected: yes. Observed: 1 variant allele.
Comment: TGM1: PM2:Supporting, BP4, BP7